The following is an entry in ClinVar:

NM_198999.3(SLC26A5):c.1349G>A (p.Gly450Glu)

Gene: SLC26A5 (solute carrier family 26 member 5; minus strand). Cytogenetic location: 7q22.1.
Variant type: single nucleotide variant.
Coding change: c.1349G>A on transcript NM_198999.3 (MANE Select); coding-DNA position 1349, G replaced by A.
Protein change: p.Gly450Glu; replaces glycine 450 with glutamic acid.
Molecular consequence: missense variant. On other transcripts: non-coding transcript variant (1), intron variant (3).
Genome position (GRCh38, 1-based): chr7:103,389,387, C>T on the plus strand (G>A on the coding strand, the complement: SLC26A5 is on the minus strand). VCF-style: chr7-103389387-C-T. GRCh37 (hg19) VCF-style: chr7-103029834-C-T.
Other names: c.1349G>A, p.Gly450Glu (NM_206883.3, NM_206884.3); c.971+8545G>A (NM_206885.3); c.1312-273G>A (NM_001321787.2, NM_001167962.2); short protein forms G450E.
Identifiers: ClinVar variation 2133200 (VCV002133200.4), dbSNP rs1390837580, ClinGen allele CA368757280.

ClinVar aggregate classification (germline): Uncertain significance (1 of 4 stars; one submission).

Allele frequency attached by ClinVar (database versions not stated): gnomAD exomes below 0.00001.
gnomAD v4.1: 1 of 1,614,082 alleles (0.000062%); highest among the groups gnomAD compares: Admixed American, 0.0017%; no homozygotes.

Submission:

Labcorp Genetics (formerly Invitae), Labcorp
Classification: Uncertain significance. Last evaluated: 2022-05-03. Review status: criteria provided, single submitter. Criteria: Invitae Variant Classification Sherloc (09022015). Collection method: clinical testing. Allele origin: germline.
Comment: In summary, the available evidence is currently insufficient to determine the role of this variant in disease. Therefore, it has been classified as a Variant of Uncertain Significance. Advanced modeling of protein sequence and biophysical properties (such as structural, functional, and spatial information, amino acid conservation, physicochemical variation, residue mobility, and thermodynamic stability) performed at Invitae indicates that this missense variant is expected to disrupt SLC26A5 protein function. This variant has not been reported in the literature in individuals affected with SLC26A5-related conditions. This variant is present in population databases (no rsID available, gnomAD 0.003%). This sequence change replaces glycine, which is neutral and non-polar, with glutamic acid, which is acidic and polar, at codon 450 of the SLC26A5 protein (p.Gly450Glu).